The following is an entry in ClinVar:

ClinVar aggregate classification (germline): Uncertain significance (1 of 4 stars; one submission).

Conditions:
Dyskeratosis congenita. Identifiers: Orphanet 1775, MedGen C0265965, MONDO:0015780.

Submission:

Ambry Genetics
Classification: Uncertain significance for Dyskeratosis congenita. Last evaluated: 2024-06-29. Review status: criteria provided, single submitter. Criteria: Ambry Variant Classification Scheme 2023. Collection method: clinical testing. Allele origin: germline.
Comment: The p.D684E variant (also known as c.2052C>A), located in coding exon 5 of the TERT gene, results from a C to A substitution at nucleotide position 2052. The aspartic acid at codon 684 is replaced by glutamic acid, an amino acid with highly similar properties. This amino acid position is conserved. In addition, the in silico prediction for this alteration is inconclusive. Based on the available evidence, the clinical significance of this variant remains unclear.

NM_198253.3(TERT):c.2052C>A (p.Asp684Glu)

Gene: TERT (telomerase reverse transcriptase; minus strand). Cytogenetic location: 5p15.33.
Variant type: single nucleotide variant.
Coding change: c.2052C>A on transcript NM_198253.3 (MANE Select); coding-DNA position 2052, C replaced by A.
Protein change: p.Asp684Glu; replaces aspartic acid 684 with glutamic acid.
Molecular consequence: missense variant. On other transcripts: non-coding transcript variant (2).
Genome position (GRCh38, 1-based): chr5:1,279,369, G>T on the plus strand (C>A on the coding strand, the complement: TERT is on the minus strand). VCF-style: chr5-1279369-G-T. GRCh37 (hg19) VCF-style: chr5-1279484-G-T.
Other names: c.2052C>A, p.Asp684Glu (NM_001193376.3); short protein forms D684E.
Identifiers: ClinVar variation 3455154 (VCV003455154.1).